The following is an entry in ClinVar:

NM_000051.4(ATM):c.2161C>T (p.Leu721Phe)

Gene: ATM (ATM serine/threonine kinase; plus strand). Cytogenetic location: 11q22.3.
Variant type: single nucleotide variant.
Coding change: c.2161C>T on transcript NM_000051.4 (MANE Select); coding-DNA position 2161, C replaced by T.
Protein change: p.Leu721Phe; replaces leucine 721 with phenylalanine.
Molecular consequence: missense variant.
Genome position (GRCh38, 1-based): chr11:108,256,251, C>T. VCF-style: chr11-108256251-C-T. GRCh37 (hg19) VCF-style: chr11-108126978-C-T.
Other names: c.2161C>T, p.Leu721Phe (NM_001351834.2); short protein forms L721F.
Identifiers: ClinVar variation 3322700 (VCV003322700.2).
Genomic context (GRCh38, chr11:108,256,251, plus strand): 5'-TTTTTATTTGTGGTTTACTTTAAGATTACAAATTCAGAAACTCTTGTCCGGTGTTCACGT[C>T]TTTTGGTGGGTGTCCTTGGCTGCTACTGTTACATGGGTGTAATAGCTGAAGAGGAAGCAT-3'
Protein context (NP_000042.3, residues 711-731): NSETLVRCSR[Leu721Phe]LVGVLGCYCY

ClinVar aggregate classification (germline): Uncertain significance. Review status: criteria provided, multiple submitters, no conflicts (2 of 4 stars). 2 submissions from 2 submitters: Uncertain significance (2). Last evaluated 2024-08-28.

Conditions:
Ataxia-telangiectasia syndrome (AT). Also called: Ataxia-telangiectasia, complementation group D; AT, COMPLEMENTATION GROUP C; ATAXIA-TELANGIECTASIA, COMPLEMENTATION GROUP A; ATAXIA-TELANGIECTASIA, FRESNO VARIANT; LOUIS-BAR SYNDROME; Cerebello-oculocutaneous telangiectasia. Identifiers: Orphanet 100, MedGen C0004135, MONDO:0008840, OMIM 208900.
Hereditary cancer-predisposing syndrome. Also called: Neoplastic Syndromes, Hereditary; Hereditary neoplastic syndrome; Tumor predisposition; Hereditary Cancer Syndrome. Identifiers: Orphanet 140162, MedGen C0027672, MeSH D009386, MONDO:0015356.

Submissions (2):

Labcorp Genetics (formerly Invitae), Labcorp
Classification: Uncertain significance for Ataxia-telangiectasia syndrome. Last evaluated: 2024-08-28. Review status: criteria provided, single submitter. Criteria: Invitae Variant Classification Sherloc (09022015). Collection method: clinical testing. Allele origin: germline.
Comment: This sequence change replaces leucine, which is neutral and non-polar, with phenylalanine, which is neutral and non-polar, at codon 721 of the ATM protein (p.Leu721Phe). This variant is not present in population databases (gnomAD no frequency). This variant has not been reported in the literature in individuals affected with ATM-related conditions. An algorithm developed to predict the effect of missense changes on protein structure and function (PolyPhen-2) suggests that this variant is likely to be disruptive. In summary, the available evidence is currently insufficient to determine the role of this variant in disease. Therefore, it has been classified as a Variant of Uncertain Significance.

Ambry Genetics
Classification: Uncertain significance for Hereditary cancer-predisposing syndrome. Last evaluated: 2024-05-08. Review status: criteria provided, single submitter. Criteria: Ambry Variant Classification Scheme 2023. Collection method: clinical testing. Allele origin: germline.
Comment: The p.L721F variant (also known as c.2161C>T), located in coding exon 13 of the ATM gene, results from a C to T substitution at nucleotide position 2161. The leucine at codon 721 is replaced by phenylalanine, an amino acid with highly similar properties. This amino acid position is conserved. In addition, the in silico prediction for this alteration is inconclusive. Based on the available evidence, the clinical significance of this variant remains unclear.